The following is an entry in ClinVar:

ClinVar aggregate classification (germline): Uncertain significance (1 of 4 stars; one submission).

gnomAD v4.1: 4 of 1,613,438 alleles (0.00025%); highest among the groups gnomAD compares: Non-Finnish European, 0.00034%; no homozygotes.

Submission:

Labcorp Genetics (formerly Invitae), Labcorp
Classification: Uncertain significance. Last evaluated: 2025-06-12. Review status: criteria provided, single submitter. Criteria: Invitae Variant Classification Sherloc (09022015). Collection method: clinical testing. Allele origin: germline.
Comment: This sequence change replaces arginine, which is basic and polar, with cysteine, which is neutral and slightly polar, at codon 469 of the PPP1R12A protein (p.Arg469Cys). This variant is not present in population databases (gnomAD no frequency). This variant has not been reported in the literature in individuals affected with PPP1R12A-related conditions. ClinVar contains an entry for this variant (Variation ID: 3674103). An algorithm developed to predict the effect of missense changes on protein structure and function (PolyPhen-2) suggests that this variant is likely to be disruptive. In summary, the available evidence is currently insufficient to determine the role of this variant in disease. Therefore, it has been classified as a Variant of Uncertain Significance.

NM_002480.3(PPP1R12A):c.1405C>T (p.Arg469Cys)

Gene: PPP1R12A (protein phosphatase 1 regulatory subunit 12A; minus strand). Cytogenetic location: 12q21.2.
Variant type: single nucleotide variant.
Coding change: c.1405C>T on transcript NM_002480.3 (MANE Select); coding-DNA position 1405, C replaced by T.
Protein change: p.Arg469Cys; replaces arginine 469 with cysteine.
Molecular consequence: missense variant.
Genome position (GRCh38, 1-based): chr12:79,809,845, G>A on the plus strand (C>T on the coding strand, the complement: PPP1R12A is on the minus strand). VCF-style: chr12-79809845-G-A. GRCh37 (hg19) VCF-style: chr12-80203625-G-A.
Other names: c.1405C>T, p.Arg469Cys (NM_001143885.2, NM_001244990.2, NM_001244992.1); c.1144C>T, p.Arg382Cys (NM_001143886.2); short protein forms R382C, R469C.
Identifiers: ClinVar variation 3674103 (VCV003674103.2).